The following is an entry in ClinVar:

ClinVar aggregate classification (germline): Pathogenic. Review status: criteria provided, single submitter (1 of 4 stars). 2 submissions from 2 submitters: Pathogenic (1). 1 of the submissions does not count toward it. Last evaluated 2016-11-24.

Conditions:
Joubert syndrome 12 (JBTS12). Identifiers: MedGen C3277723.

Submissions (2):

GeneDx
Classification: Pathogenic. Last evaluated: 2016-11-24. Review status: criteria provided, single submitter. Criteria: GeneDx Variant Classification (06012015). Collection method: clinical testing. Allele origin: germline. Affected: yes.
Comment: The c.217delG variant in the KIF7 gene has been reported previously in the homozygous state in two related individuals with Joubert syndrome (Dafinger et al., 2011). This variant causes a frameshift starting with codon Alanine 73, changes this amino acid to a Proline residue, and creates a premature Stop codon at position 109 of the new reading frame, denoted p.Ala73ProfsX109. This variant is predicted to cause loss of normal protein function either through protein truncation or nonsense-mediated mRNA decay. The c.217delG variant was not observed in approximately 2300 individuals of European and African American ancestry in the NHLBI Exome Sequencing Project, indicating it is not a common benign variant in these populations. We interpret c.217delG as a pathogenic variant.

OMIM
Classification: Pathogenic for JOUBERT SYNDROME 12. Last evaluated: 2011-07-01. Review status: no assertion criteria provided. Collection method: literature only. Allele origin: germline. Not counted in ClinVar's aggregate classification.

Literature cited by the submitters: PubMed 21633164 (cited by OMIM).

NM_198525.3(KIF7):c.217del (p.Ala73fs)

Gene: KIF7 (kinesin family member 7; minus strand). Cytogenetic location: 15q26.1.
Variant type: Deletion.
Coding change: c.217del on transcript NM_198525.3 (MANE Select); coding-DNA position 217, one base deleted (G; older notation c.217delG).
Protein change: p.Ala73fs; shifts the reading frame from alanine 73.
Molecular consequence: frameshift variant.
Genome position (GRCh38, 1-based): chr15:89,652,714, C deleted on the plus strand (G on the coding strand, the reverse complement: KIF7 is on the minus strand); the first of 2 consecutive C bases (chr15:89,652,714-89,652,715); deleting either gives the same sequence. VCF-style (leftmost placement, unchanged base first): chr15-89652713-GC-G. GRCh37 (hg19) VCF-style: chr15-90195944-GC-G.
Other names: short protein forms A73fs.
Identifiers: ClinVar variation 30900 (VCV000030900.2), dbSNP rs797044465, ClinGen allele CA129523.